The following is an entry in ClinVar:

ClinVar aggregate classification (germline): Uncertain significance (1 of 4 stars; one submission).

Submission:

GeneDx
Classification: Uncertain significance. Last evaluated: 2024-05-10. Review status: criteria provided, single submitter. Criteria: GeneDx Variant Classification Process June 2021. Collection method: clinical testing. Allele origin: germline. Affected: yes.
Comment: Not observed at significant frequency in large population cohorts (gnomAD); In silico analysis supports that this missense variant has a deleterious effect on protein structure/function; Has not been previously published as pathogenic or benign to our knowledge

NM_000937.5(POLR2A):c.577C>G (p.Arg193Gly)

Gene: POLR2A (RNA polymerase II subunit A; plus strand). Cytogenetic location: 17p13.1.
Variant type: single nucleotide variant.
Coding change: c.577C>G on transcript NM_000937.5 (MANE Select); coding-DNA position 577, C replaced by G.
Protein change: p.Arg193Gly; replaces arginine 193 with glycine.
Molecular consequence: missense variant.
Genome position (GRCh38, 1-based): chr17:7,496,803, C>G. VCF-style: chr17-7496803-C-G. GRCh37 (hg19) VCF-style: chr17-7400122-C-G.
Other names: short protein forms R193G.
Identifiers: ClinVar variation 3376116 (VCV003376116.1).